The following is an entry in ClinVar:

NM_007194.4(CHEK2):c.26C>G (p.Ala9Gly)

Gene: CHEK2 (checkpoint kinase 2; minus strand). Cytogenetic location: 22q12.1.
Variant type: single nucleotide variant.
Coding change: c.26C>G on transcript NM_007194.4 (MANE Select); coding-DNA position 26, C replaced by G.
Protein change: p.Ala9Gly; replaces alanine 9 with glycine.
Molecular consequence: missense variant.
Genome position (GRCh38, 1-based): chr22:28,734,696, G>C on the plus strand (C>G on the coding strand, the complement: CHEK2 is on the minus strand). VCF-style: chr22-28734696-G-C. GRCh37 (hg19) VCF-style: chr22-29130684-G-C.
Other names: c.26C>G, p.Ala9Gly (NM_001005735.3, NM_001349956.3, NM_145862.3); c.-752C>G (NM_001257387.3); short protein forms A9G.
Identifiers: ClinVar variation 460820 (VCV000460820.21), dbSNP rs1456931393, ClinGen allele CA411092022.
Genomic context (GRCh38, chr22:28,734,696, plus strand): 5'-TGGGACTGGGTAACGCTGCCATGGGGCTGTGAACAGGCACTGCTGCCATGAGACTGCTGA[G>C]CCTCAACATCCGACTCCCGAGACATCACGACCTCAAAAAGAAAGTGTCCAACAACAAAGG-3'
Protein context (NP_009125.1, residues 1-19): MSRESDVE[Ala9Gly]QQSHGSSACS

ClinVar aggregate classification (germline): Uncertain significance. Review status: criteria provided, multiple submitters, no conflicts (2 of 4 stars). 3 submissions from 3 submitters: Uncertain significance (3). Last evaluated 2025-11-13.

Conditions:
Hereditary cancer-predisposing syndrome. Also called: Neoplastic Syndromes, Hereditary; Tumor predisposition; Hereditary Cancer Syndrome; Hereditary neoplastic syndrome. Identifiers: Orphanet 140162, MedGen C0027672, MeSH D009386, MONDO:0015356.
Familial cancer of breast. Also called: BREAST CANCER, FAMILIAL; hereditary breast carcinoma; Hereditary breast cancer. Identifiers: Orphanet 227535, MedGen C0346153, MONDO:0016419, OMIM 114480. Disease mechanism: loss of function.

Allele frequency attached by ClinVar (database versions not stated): gnomAD exomes below 0.00001; TOPMed below 0.00001.

Submissions (3):

Labcorp Genetics (formerly Invitae), Labcorp
Classification: Uncertain significance for Familial cancer of breast. Last evaluated: 2025-11-13. Review status: criteria provided, single submitter. Criteria: Invitae Variant Classification Sherloc (09022015). Collection method: clinical testing. Allele origin: germline.
Comment: This sequence change replaces alanine, which is neutral and non-polar, with glycine, which is neutral and non-polar, at codon 9 of the CHEK2 protein (p.Ala9Gly). This variant is present in population databases (no rsID available, gnomAD 0.0009%). This variant has not been reported in the literature in individuals affected with CHEK2-related conditions. ClinVar contains an entry for this variant (Variation ID: 460820). An algorithm developed to predict the effect of missense changes on protein structure and function outputs the following: PolyPhen-2: "Benign". The glycine amino acid residue is found in multiple mammalian species, which suggests that this missense change does not adversely affect protein function. In summary, the available evidence is currently insufficient to determine the role of this variant in disease. Therefore, it has been classified as a Variant of Uncertain Significance.

Ambry Genetics
Classification: Uncertain significance for Hereditary cancer-predisposing syndrome. Last evaluated: 2025-09-06. Review status: criteria provided, single submitter. Criteria: Ambry Variant Classification Scheme 2023. Collection method: clinical testing. Allele origin: germline.
Comment: The p.A9G variant (also known as c.26C>G), located in coding exon 1 of the CHEK2 gene, results from a C to G substitution at nucleotide position 26. The alanine at codon 9 is replaced by glycine, an amino acid with similar properties. This amino acid position is poorly conserved in available vertebrate species. In addition, this alteration is predicted to be tolerated by in silico analysis. Since supporting evidence is limited at this time, the clinical significance of this alteration remains unclear.

Color Diagnostics, LLC DBA Color Health
Classification: Uncertain significance for Hereditary cancer-predisposing syndrome. Last evaluated: 2024-09-17. Review status: criteria provided, single submitter. Criteria: ACMG Guidelines, 2015. Collection method: clinical testing. Allele origin: germline.
Comment: This missense variant replaces alanine with glycine at codon 9 of the CHEK2 protein. Computational prediction suggests that this variant may not impact protein structure and function. To our knowledge, functional studies have not been reported for this variant. This variant has not been reported in individuals affected with hereditary cancer in the literature. This variant has been identified in 1/246100 chromosomes in the general population by the Genome Aggregation Database (gnomAD). The available evidence is insufficient to determine the role of this variant in disease conclusively. Therefore, this variant is classified as a Variant of Uncertain Significance.